The following is an entry in ClinVar:

NM_021008.4(DEAF1):c.118_131dup (p.Arg44delinsSerArgCysTer)

Gene: DEAF1 (DEAF1 transcription factor; minus strand). Cytogenetic location: 11p15.5.
Variant type: Duplication.
Coding change: c.118_131dup on transcript NM_021008.4 (MANE Select); coding-DNA positions 118 to 131, 14 bases duplicated (CCGGTGCTGAGCAG).
Protein change: p.Arg44delinsSerArgCysTer.
Molecular consequence: nonsense. On other transcripts: frameshift variant (1), intron variant (1).
Genome position (GRCh38, 1-based): chr11:694,917-694,930, CTGCTCAGCACCGG duplicated on the plus strand (CCGGTGCTGAGCAG on the coding strand, the reverse complement: DEAF1 is on the minus strand); duplicating any 14 consecutive bases within chr11:694,917-694,932 gives the same sequence; the c. name uses the placement nearest the transcript's 3' end. VCF-style (leftmost placement, unchanged base first): chr11-694916-C-CCTGCTCAGCACCGG. GRCh37 (hg19) VCF-style: chr11-694916-C-CCTGCTCAGCACCGG.
Other names: c.116_129dup, p.Arg44Serfs (NM_001293634.2); c.-437-3332_-437-3319dup (NM_001367390.1).
Identifiers: ClinVar variation 2202296 (VCV002202296.4), dbSNP rs775252822, ClinGen allele CA5786642.
Genomic context (GRCh38, chr11:694,916, plus strand): 5'-CGTGACCCGCGGCGTCTCCCGCTCCGCCTCCGAGTCTGCGTCCTCCTCCGAGTCCTCGTC[C>CCTGCTCAGCACCGG]CTGCTCAGCACCGGCTCCTCCGCCTCGCCTCCTGCCGCGGCCGCGGCCGCCGCCGCCACA-3'

ClinVar aggregate classification (germline): Pathogenic (1 of 4 stars; one submission).

Submission:

Labcorp Genetics (formerly Invitae), Labcorp
Classification: Pathogenic. Last evaluated: 2024-06-21. Review status: criteria provided, single submitter. Criteria: Invitae Variant Classification Sherloc (09022015). Collection method: clinical testing. Allele origin: germline.
Comment: This sequence change creates a premature translational stop signal (p.Arg44Serfs*4) in the DEAF1 gene. It is expected to result in an absent or disrupted protein product. Loss-of-function variants in DEAF1 are known to be pathogenic (PMID: 30923367). This variant is present in population databases (rs775252822, gnomAD 0.01%). This variant has not been reported in the literature in individuals affected with DEAF1-related conditions. ClinVar contains an entry for this variant (Variation ID: 2202296). For these reasons, this variant has been classified as Pathogenic.

Literature cited by the submitters: PubMed 30923367.